The following is an entry in ClinVar:

ClinVar aggregate classification (germline): Uncertain significance (1 of 4 stars; one submission).

Submission:

Labcorp Genetics (formerly Invitae), Labcorp
Classification: Uncertain significance. Last evaluated: 2024-03-18. Review status: criteria provided, single submitter. Criteria: Invitae Variant Classification Sherloc (09022015). Collection method: clinical testing. Allele origin: germline.
Comment: This sequence change replaces glycine, which is neutral and non-polar, with serine, which is neutral and polar, at codon 712 of the COL4A3 protein (p.Gly712Ser). This variant is not present in population databases (gnomAD no frequency). This variant has not been reported in the literature in individuals affected with COL4A3-related conditions. ClinVar contains an entry for this variant (Variation ID: 1995919). Advanced modeling of protein sequence and biophysical properties (such as structural, functional, and spatial information, amino acid conservation, physicochemical variation, residue mobility, and thermodynamic stability) performed at Invitae indicates that this missense variant is expected to disrupt COL4A3 protein function with a positive predictive value of 80%. In summary, the available evidence is currently insufficient to determine the role of this variant in disease. Therefore, it has been classified as a Variant of Uncertain Significance.

NM_000091.5(COL4A3):c.2134G>A (p.Gly712Ser)

Genes: COL4A3 (collagen type IV alpha 3 chain; plus strand), MFF-DT (MFF divergent transcript; minus strand). Cytogenetic location: 2q36.3.
Variant type: single nucleotide variant.
Coding change: c.2134G>A on transcript NM_000091.5 (MANE Select); coding-DNA position 2134, G replaced by A.
Protein change: p.Gly712Ser; replaces glycine 712 with serine.
Molecular consequence: missense variant.
Genome position (GRCh38, 1-based): chr2:227,279,801, G>A. VCF-style: chr2-227279801-G-A. GRCh37 (hg19) VCF-style: chr2-228144517-G-A.
Other names: short protein forms G712S.
Identifiers: ClinVar variation 1995919 (VCV001995919.3), dbSNP rs2469747388, ClinGen allele CA350847465.
Genomic context (GRCh38, chr2:227,279,801, plus strand): 5'-ATATTTCAATAAGACTAATCCTACAACAATGTTTATTGTTTTTTCTCTGTAGGAGACCAA[G>A]GTTTTCCAGGTACAAAAGGATCACTGGGTTGTCCTGGAAAAATGGGAGAGCCTGGGTTAC-3'
Protein context (NP_000082.2, residues 702-722): PGPPGPKGDQ[Gly712Ser]FPGTKGSLGC